The following is an entry in ClinVar:

NM_004928.3(CFAP410):c.278G>A (p.Trp93Ter)

Gene: CFAP410 (cilia and flagella associated protein 410; minus strand). Cytogenetic location: 21q22.3.
Variant type: single nucleotide variant.
Coding change: c.278G>A on transcript NM_004928.3 (MANE Select); coding-DNA position 278, G replaced by A.
Protein change: p.Trp93Ter; replaces tryptophan 93 with a stop codon.
Molecular consequence: nonsense.
Genome position (GRCh38, 1-based): chr21:44,333,128, C>T on the plus strand (G>A on the coding strand, the complement: CFAP410 is on the minus strand). VCF-style: chr21-44333128-C-T. GRCh37 (hg19) VCF-style: chr21-45753011-C-T.
Other names: c.278G>A, p.Trp93Ter (NM_001271440.2, NM_001271441.2); c.155G>A, p.Trp52Ter (NM_001271442.1); short protein forms W52*, W93*.
Identifiers: ClinVar variation 4692337 (VCV004692337.1).

ClinVar aggregate classification (germline): Pathogenic (1 of 4 stars; one submission).

Submission:

Labcorp Genetics (formerly Invitae), Labcorp
Classification: Pathogenic. Last evaluated: 2025-06-03. Review status: criteria provided, single submitter. Criteria: Invitae Variant Classification Sherloc (09022015). Collection method: clinical testing. Allele origin: germline.
Comment: This sequence change creates a premature translational stop signal (p.Trp93*) in the CFAP410 gene. It is expected to result in an absent or disrupted protein product. Loss-of-function variants in CFAP410 are known to be pathogenic (PMID: 23105016, 26167768). This variant is not present in population databases (gnomAD no frequency). This variant has not been reported in the literature in individuals affected with CFAP410-related conditions. For these reasons, this variant has been classified as Pathogenic.

Literature cited by the submitters: PubMed 23105016; PubMed 26167768.